The following is an entry in ClinVar:

ClinVar aggregate classification (germline): Uncertain significance. Review status: criteria provided, multiple submitters, no conflicts (2 of 4 stars). 2 submissions from 2 submitters: Uncertain significance (2). Last evaluated 2025-08-21.

Conditions:
Inborn genetic diseases. Identifiers: MedGen C0950123, MeSH D030342.
Combined immunodeficiency due to DOCK8 deficiency (HIES2). Also called: HYPER-IgE RECURRENT INFECTION SYNDROME 2, AUTOSOMAL RECESSIVE; HYPER-IgE SYNDROME 2, AUTOSOMAL RECESSIVE, WITH RECURRENT INFECTIONS; HIES autosomal recessive; Hyper-IgE recurrent infection syndrome, autosomal recessive; DOCK8 Deficiency. Identifiers: Orphanet 217390, MedGen C4722305, MONDO:0009478, OMIM 243700.

Allele frequency attached by ClinVar (database versions not stated): TOPMed 0.00002.
gnomAD v4.1: 13 of 1,613,010 alleles (0.00081%); highest among the groups gnomAD compares: Non-Finnish European, 0.00085%; no homozygotes.

Submissions (2):

Ambry Genetics
Classification: Uncertain significance for Inborn genetic diseases. Last evaluated: 2025-08-21. Review status: criteria provided, single submitter. Criteria: Ambry Variant Classification Scheme 2023. Collection method: clinical testing. Allele origin: germline.

Labcorp Genetics (formerly Invitae), Labcorp
Classification: Uncertain significance for Combined immunodeficiency due to DOCK8 deficiency. Last evaluated: 2021-08-31. Review status: criteria provided, single submitter. Criteria: Invitae Variant Classification Sherloc (09022015). Collection method: clinical testing. Allele origin: germline.
Comment: This sequence change replaces valine with leucine at codon 1687 of the DOCK8 protein (p.Val1687Leu). The valine residue is highly conserved and there is a small physicochemical difference between valine and leucine. This variant is present in population databases (rs767895149, ExAC 0.02%). This variant has not been reported in the literature in individuals affected with DOCK8-related conditions. Algorithms developed to predict the effect of missense changes on protein structure and function (SIFT, PolyPhen-2, Align-GVGD) all suggest that this variant is likely to be tolerated. In summary, the available evidence is currently insufficient to determine the role of this variant in disease. Therefore, it has been classified as a Variant of Uncertain Significance.

NM_203447.4(DOCK8):c.5059G>T (p.Val1687Leu)

Gene: DOCK8 (dedicator of cytokinesis 8; plus strand). Cytogenetic location: 9p24.3.
Variant type: single nucleotide variant.
Coding change: c.5059G>T on transcript NM_203447.4 (MANE Select); coding-DNA position 5059, G replaced by T.
Protein change: p.Val1687Leu; replaces valine 1687 with leucine.
Molecular consequence: missense variant.
Genome position (GRCh38, 1-based): chr9:434,955, G>T. VCF-style: chr9-434955-G-T. GRCh37 (hg19) VCF-style: chr9-434955-G-T.
Other names: c.4759G>T, p.Val1587Leu (NM_001190458.2); c.4855G>T, p.Val1619Leu (NM_001193536.2); short protein forms V1619L, V1587L, V1687L.
Identifiers: ClinVar variation 653135 (VCV000653135.7), dbSNP rs767895149, ClinGen allele CA4959276.